The following is an entry in ClinVar:

ClinVar aggregate classification (germline): Pathogenic/Likely pathogenic. Review status: criteria provided, multiple submitters, no conflicts (2 of 4 stars). 3 submissions from 3 submitters: Pathogenic (1); Likely pathogenic (2). Last evaluated 2026-03-01.

Conditions:
Recessive dystrophic epidermolysis bullosa (RDEB). Also called: Recessive DEB (RDEB); Hallopeau-Siemens Disease; EPIDERMOLYSIS BULLOSA DYSTROPHICA, GENERALIZED SEVERE, AUTOSOMAL RECESSIVE; Epidermolysis Bullosa Distrophica Autosomal Recessive (RDEB); epidermolysis bullosa dystrophica, autosomal recessive; DYSTROPHIC EPIDERMOLYSIS BULLOSA, AUTOSOMAL RECESSIVE. Identifiers: Orphanet 79408, Orphanet 79409, MedGen C0079474, MONDO:0009179, OMIM 226600.

Allele frequency attached by ClinVar (database versions not stated): ExAC 0.00001; gnomAD exomes 0.00001; gnomAD 0.00002; TOPMed 0.00003; ESP Exome Variant Server 0.00008.
gnomAD v4.1: 12 of 1,613,272 alleles (0.00074%); highest among the groups gnomAD compares: African/African-American, 0.004%; no homozygotes.

Submissions (3):

Myriad Genetics, Inc.
Classification: Likely pathogenic for Recessive dystrophic epidermolysis bullosa. Last evaluated: 2026-03-01. Review status: criteria provided, single submitter. Criteria: Myriad Autosomal Dominant, Autosomal Recessive and X-Linked Classification Criteria (2023). Collection method: clinical testing. Allele origin: unknown.
Comment: NM_000094.3(COL7A1):c.7882C>T(R2628W) is a missense variant classified as likely pathogenic in the context of dystrophic epidermolysis bullosa. R2628W has been observed in cases with relevant disease (PMID: 20555349, 32484238, 36287101). Relevant functional assessments of this variant are available in the literature (PMID: 34674926). R2628W has been observed in referenced population frequency databases. In summary, NM_000094.3(COL7A1):c.7882C>T(R2628W) is a missense variant that has been observed more frequently in cases with the relevant disease than in healthy populations. Please note: this variant was assessed in the context of healthy population screening.

Labcorp Genetics (formerly Invitae), Labcorp
Classification: Pathogenic. Last evaluated: 2025-12-16. Review status: criteria provided, single submitter. Criteria: Invitae Variant Classification Sherloc (09022015). Collection method: clinical testing. Allele origin: germline.
Comment: This sequence change replaces arginine, which is basic and polar, with tryptophan, which is neutral and slightly polar, at codon 2628 of the COL7A1 protein (p.Arg2628Trp). This variant is present in population databases (rs376588113, gnomAD 0.01%). This missense change has been observed in individual(s) with autosomal recessive epidermolysis bullosa dystrophica (PMID: 20555349, 32484238). In at least one individual the data is consistent with being in trans (on the opposite chromosome) from a pathogenic variant. ClinVar contains an entry for this variant (Variation ID: 1503512). Invitae Evidence Modeling of protein sequence and biophysical properties (such as structural, functional, and spatial information, amino acid conservation, physicochemical variation, residue mobility, and thermodynamic stability) has been performed for this missense variant. However, the output from this modeling did not meet the statistical confidence thresholds required to predict the impact of this variant on COL7A1 protein function. For these reasons, this variant has been classified as Pathogenic.

Women's Health and Genetics/Laboratory Corporation of America, LabCorp
Classification: Likely pathogenic for Dystrophic Epidermolysis Bullosa, Recessive. Last evaluated: 2025-09-17. Review status: criteria provided, single submitter. Criteria: LabCorp Variant Classification Summary - May 2015. Collection method: clinical testing. Allele origin: germline.
Comment: Variant summary: COL7A1 c.7882C>T (p.Arg2628Trp) results in a non-conservative amino acid change in the encoded protein sequence. Algorithms developed to predict the effect of missense changes on protein structure and function are either unavailable or do not agree on the potential impact of this missense change. The variant allele was found at a frequency of 8e-06 in 251382 control chromosomes. c.7882C>T has been observed in at least two individuals affected with Dystrophic Epidermolysis Bullosa, Recessive (e.g., Chiaverini_2010, Chen_2020). These data indicate that the variant may be associated with disease. At least one publication reports experimental evidence evaluating an impact on protein function, finding that the variant results in a cell migration defect (an approximatley 55% reduction of wild-type activity), reduced trimer formation, and increased sensitivity to protease degradation at 37 degrees Celsius (e.g., Woodley_2021). The following publications have been ascertained in the context of this evaluation (PMID: 32484238, 20555349, 34674926). ClinVar contains an entry for this variant (Variation ID: 1503512). Based on the evidence outlined above, the variant was classified as likely pathogenic.

Literature cited by the submitters: PubMed 20555349 (cited by 3 submitters); PubMed 32484238 (cited by 3 submitters); PubMed 34674926 (cited by Myriad Genetics, Inc. and Women's Health and Genetics/Laboratory Corporation of America, LabCorp); PubMed 36287101 (cited by Myriad Genetics, Inc.).

NM_000094.4(COL7A1):c.7882C>T (p.Arg2628Trp)

Gene: COL7A1 (collagen type VII alpha 1 chain; minus strand). Cytogenetic location: 3p21.31.
Variant type: single nucleotide variant.
Coding change: c.7882C>T on transcript NM_000094.4 (MANE Select); coding-DNA position 7882, C replaced by T.
Protein change: p.Arg2628Trp; replaces arginine 2628 with tryptophan.
Molecular consequence: missense variant.
Genome position (GRCh38, 1-based): chr3:48,567,885, G>A on the plus strand (C>T on the coding strand, the complement: COL7A1 is on the minus strand). VCF-style: chr3-48567885-G-A. GRCh37 (hg19) VCF-style: chr3-48605318-G-A.
Other names: c.7882C>T (NM_000094.3); short protein forms R2628W.
Identifiers: ClinVar variation 1503512 (VCV001503512.11), dbSNP rs376588113, ClinGen allele CA2378264.